The following is an entry in ClinVar:

ClinVar aggregate classification (germline): Likely benign (1 of 4 stars; one submission).

Conditions:
Familial cancer of breast. Also called: BREAST CANCER, FAMILIAL; Hereditary breast cancer; hereditary breast carcinoma. Identifiers: Orphanet 227535, MedGen C0346153, MONDO:0016419, OMIM 114480. Disease mechanism: loss of function.

Submission:

Myriad Genetics, Inc.
Classification: Likely benign for Familial cancer of breast. Last evaluated: 2024-05-01. Review status: criteria provided, single submitter. Criteria: Myriad Autosomal Dominant, Autosomal Recessive and X-Linked Classification Criteria (2023). Collection method: clinical testing. Allele origin: unknown.
Comment: This variant is considered likely benign. This variant is intronic and is not expected to impact mRNA splicing.

NM_000051.4(ATM):c.1803-15dup

Gene: ATM (ATM serine/threonine kinase; plus strand). Cytogenetic location: 11q22.3.
Variant type: Duplication.
Coding change: c.1803-15dup on transcript NM_000051.4 (MANE Select); 15 bases into the intron before coding-DNA position 1803, one base duplicated (T; older notation c.1803-15dupT).
Molecular consequence: intron variant.
Genome position (GRCh38, 1-based): chr11:108,252,802, T duplicated; the last of 5 consecutive T bases (chr11:108,252,798-108,252,802); duplicating any one gives the same sequence. VCF-style (leftmost placement, unchanged base first): chr11-108252797-C-CT. GRCh37 (hg19) VCF-style: chr11-108123524-C-CT.
Other names: c.1803-15dup (NM_001351834.2).
Identifiers: ClinVar variation 3254312 (VCV003254312.1), dbSNP rs1420491228.